The following is an entry in ClinVar:

NM_001164508.2(NEB):c.24110del (p.Ser8037fs)

Genes: NEB (nebulin; minus strand), RIF1 (replication timing regulatory factor 1; plus strand). Cytogenetic location: 2q23.3.
Variant type: Deletion.
Coding change: c.24110del on transcript NM_001164508.2 (MANE Select); coding-DNA position 24110, one base deleted (G; older notation c.24110delG).
Protein change: p.Ser8037fs; shifts the reading frame from serine 8037.
Molecular consequence: frameshift variant. On other transcripts: intron variant (1).
Genome position (GRCh38, 1-based): chr2:151,499,302, C deleted on the plus strand (G on the coding strand, the reverse complement: NEB is on the minus strand). VCF-style (leftmost placement, unchanged base first): chr2-151499301-AC-A. GRCh37 (hg19) VCF-style: chr2-152355815-AC-A.
Other names: c.24110del, p.Ser8037fs (NM_001164507.2); c.24215del, p.Ser8072fs (NM_001271208.2); c.18826-2934del (NM_004543.5); short protein forms S8037fs, S8072fs.
Identifiers: ClinVar variation 4855638 (VCV004855638.1).

ClinVar aggregate classification (germline): Likely pathogenic (1 of 4 stars; one submission).

Conditions:
Nemaline myopathy 2 (NEM2). Also called: Nemaline myopathy 2, autosomal recessive. Identifiers: MedGen C1850569, MONDO:0009725, OMIM 256030.

Submission:

3billion
Classification: Likely pathogenic for Nemaline myopathy 2. Last evaluated: 2025-05-15. Review status: criteria provided, single submitter. Criteria: ACMG Guidelines, 2015. Collection method: clinical testing. Allele origin: germline. Affected: yes.
Comment: The variant is not observed in the gnomAD v4.1.0 dataset. Predicted Consequence/Location: Frameshift: predicted to result in a loss or disruption of normal protein function through nonsense-mediated decay (NMD) or protein truncation. Multiple pathogenic variants are reported downstream of the variant. Therefore, this variant is classified as Likely pathogenic according to the recommendation of ACMG/AMP guideline.